The following is an entry in ClinVar:

NM_000159.4(GCDH):c.251del (p.Leu84fs)

Gene: GCDH (glutaryl-CoA dehydrogenase; plus strand). Cytogenetic location: 19p13.13.
Variant type: Deletion.
Coding change: c.251del on transcript NM_000159.4 (MANE Select); coding-DNA position 251, one base deleted (T; older notation c.251delT).
Protein change: p.Leu84fs; shifts the reading frame from leucine 84.
Molecular consequence: frameshift variant. On other transcripts: non-coding transcript variant (2).
Genome position (GRCh38, 1-based): chr19:12,891,954, T deleted. VCF-style (leftmost placement, unchanged base first): chr19-12891953-CT-C. GRCh37 (hg19) VCF-style: chr19-13002767-CT-C.
Other names: c.251del, p.Leu84fs (NM_013976.5); short protein forms L84fs.
Identifiers: ClinVar variation 2855811 (VCV002855811.3), dbSNP rs2512565152, ClinGen allele CA2739276517.
Genomic context (GRCh38, chr19:12,891,953, plus strand): 5'-GAGATCCTCATCAGGGACACCTTCCGCACCTACTGCCAGGAGAGACTCATGCCTCGCATC[CT>C]GTTGGCCAATCGCAACGAAGGTGGGCGGGCTGGTGGGTGCCCTGAGACTGCTCCTCCGCC-3'

ClinVar aggregate classification (germline): Pathogenic (1 of 4 stars; one submission).

Conditions:
Glutaric aciduria, type 1. Also called: GA I; Glutaricaciduria, type I; Glutaryl-CoA dehydrogenase deficiency; Glutaric acidemia type I; Glutaricacidemia Type 1; Glutaric Acidemia Type 1. Identifiers: Orphanet 25, MedGen C0268595, MONDO:0009281, OMIM 231670.

Submission:

Labcorp Genetics (formerly Invitae), Labcorp
Classification: Pathogenic for Glutaric aciduria, type 1. Last evaluated: 2023-04-13. Review status: criteria provided, single submitter. Criteria: Invitae Variant Classification Sherloc (09022015). Collection method: clinical testing. Allele origin: germline.
Comment: This sequence change creates a premature translational stop signal (p.Leu84Argfs*58) in the GCDH gene. It is expected to result in an absent or disrupted protein product. Loss-of-function variants in GCDH are known to be pathogenic (PMID: 10699052, 11854167, 16602100). For these reasons, this variant has been classified as Pathogenic. This variant has not been reported in the literature in individuals affected with GCDH-related conditions. This variant is not present in population databases (gnomAD no frequency).

Literature cited by the submitters: PubMed 10699052; PubMed 11854167; PubMed 16602100.